The following is an entry in ClinVar:

NM_031844.3(HNRNPU):c.1930G>T (p.Glu644Ter)

Gene: HNRNPU (heterogeneous nuclear ribonucleoprotein U; minus strand). Cytogenetic location: 1q44.
Variant type: single nucleotide variant.
Coding change: c.1930G>T on transcript NM_031844.3 (MANE Select); coding-DNA position 1930, G replaced by T.
Protein change: p.Glu644Ter; replaces glutamic acid 644 with a stop codon.
Molecular consequence: nonsense.
Genome position (GRCh38, 1-based): chr1:244,856,141, C>A on the plus strand (G>T on the coding strand, the complement: HNRNPU is on the minus strand). VCF-style: chr1-244856141-C-A. GRCh37 (hg19) VCF-style: chr1-245019443-C-A.
Other names: c.1873G>T, p.Glu625Ter (NM_004501.3); short protein forms E625*, E644*.
Identifiers: ClinVar variation 1708404 (VCV001708404.1), dbSNP rs2527504511, ClinGen allele CA345488597.
Genomic context (GRCh38, chr1:244,856,141, plus strand): 5'-TTTGGGCTTCTTCCTTCTGAAGTTCAACATAGGTTATTTCATCAAAGCACTCAGCTACCT[C>A]TGGGAGGGTAAAGTTTCCTGCAGGAAACAAAGTCATATTATTAATTTAGAAACCCACCAC-3'

ClinVar aggregate classification (germline): Likely pathogenic (1 of 4 stars; one submission).

Submission:

Centre of Medical Genetics, University Hospital Muenster
Classification: Likely pathogenic. Last evaluated: 2022-07-13. Review status: criteria provided, single submitter. Criteria: ACMG Guidelines, 2015. Collection method: clinical testing. Allele origin: unknown. Affected: yes. Observed: 1 variant allele, 1 heterozygote.
Comment: ACMG categories: PVS1,PM2